The following is an entry in ClinVar:

NM_021942.6(TRAPPC11):c.2281G>A (p.Glu761Lys)

Genes: TRAPPC11 (trafficking protein particle complex subunit 11; plus strand), LOC126807238 (BRD4-independent group 4 enhancer GRCh37_chr4:184614366-184615565; plus strand). Cytogenetic location: 4q35.1.
Variant type: single nucleotide variant.
Coding change: c.2281G>A on transcript NM_021942.6 (MANE Select); coding-DNA position 2281, G replaced by A.
Protein change: p.Glu761Lys; replaces glutamic acid 761 with lysine.
Molecular consequence: missense variant.
Genome position (GRCh38, 1-based): chr4:183,693,632, G>A. VCF-style: chr4-183693632-G-A. GRCh37 (hg19) VCF-style: chr4-184614785-G-A.
Other names: c.2281G>A, p.Glu761Lys (NM_199053.3); short protein forms E761K.
Identifiers: ClinVar variation 2158262 (VCV002158262.4), dbSNP rs917947173, ClinGen allele CA111858434.
Genomic context (GRCh38, chr4:183,693,632, plus strand): 5'-AAGGTTTCTTTTCAAAGGATCATATCCAGAGTCCCAAACATTTCTGTACATCTGCTACAT[G>A]AACCCCCTGCACTGACTAATGAAATGTATTGTTTGGTTGTGACTGTTCAGTCCCATGAAA-3'
Protein context (NP_068761.4, residues 751-771): VPNISVHLLH[Glu761Lys]PPALTNEMYC

ClinVar aggregate classification (germline): Uncertain significance (1 of 4 stars; one submission).

Conditions:
Autosomal recessive limb-girdle muscular dystrophy type R18 (LGMDR18). Also called: MUSCULAR DYSTROPHY, LIMB-GIRDLE, AUTOSOMAL RECESSIVE 18; Autosomal recessive limb-girdle muscular dystrophy type 2S; Limb-girdle muscular dystrophy, type 2S. Identifiers: Orphanet 369840, MedGen C4517996, MONDO:0014144, OMIM 615356.

gnomAD v4.1: 1 of 1,613,568 alleles (0.000062%); no homozygotes.

Submission:

Labcorp Genetics (formerly Invitae), Labcorp
Classification: Uncertain significance for Autosomal recessive limb-girdle muscular dystrophy type R18. Last evaluated: 2022-07-02. Review status: criteria provided, single submitter. Criteria: Invitae Variant Classification Sherloc (09022015). Collection method: clinical testing. Allele origin: germline.
Comment: This variant has not been reported in the literature in individuals affected with TRAPPC11-related conditions. In summary, the available evidence is currently insufficient to determine the role of this variant in disease. Therefore, it has been classified as a Variant of Uncertain Significance. Algorithms developed to predict the effect of missense changes on protein structure and function (SIFT, PolyPhen-2, Align-GVGD) all suggest that this variant is likely to be tolerated. This variant is not present in population databases (gnomAD no frequency). This sequence change replaces glutamic acid, which is acidic and polar, with lysine, which is basic and polar, at codon 761 of the TRAPPC11 protein (p.Glu761Lys).